The following is an entry in ClinVar:

ClinVar aggregate classification (germline): Uncertain significance (1 of 4 stars; one submission).

Submission:

Labcorp Genetics (formerly Invitae), Labcorp
Classification: Uncertain significance. Last evaluated: 2023-10-13. Review status: criteria provided, single submitter. Criteria: Invitae Variant Classification Sherloc (09022015). Collection method: clinical testing. Allele origin: germline.
Comment: This sequence change replaces arginine, which is basic and polar, with histidine, which is basic and polar, at codon 203 of the CDK13 protein (p.Arg203His). This variant is not present in population databases (gnomAD no frequency). This variant has not been reported in the literature in individuals affected with CDK13-related conditions. Advanced modeling of protein sequence and biophysical properties (such as structural, functional, and spatial information, amino acid conservation, physicochemical variation, residue mobility, and thermodynamic stability) performed at Invitae indicates that this missense variant is not expected to disrupt CDK13 protein function. In summary, the available evidence is currently insufficient to determine the role of this variant in disease. Therefore, it has been classified as a Variant of Uncertain Significance.

NM_003718.5(CDK13):c.608G>A (p.Arg203His)

Genes: CDK13 (cyclin dependent kinase 13; plus strand), LOC129998293 (ATAC-STARR-seq lymphoblastoid silent region 18116; plus strand). Cytogenetic location: 7p14.1.
Variant type: single nucleotide variant.
Coding change: c.608G>A on transcript NM_003718.5 (MANE Select); coding-DNA position 608, G replaced by A.
Protein change: p.Arg203His; replaces arginine 203 with histidine.
Molecular consequence: missense variant.
Genome position (GRCh38, 1-based): chr7:39,951,249, G>A. VCF-style: chr7-39951249-G-A. GRCh37 (hg19) VCF-style: chr7-39990848-G-A.
Other names: c.608G>A, p.Arg203His (NM_031267.4); short protein forms R203H.
Identifiers: ClinVar variation 2794319 (VCV002794319.3), dbSNP rs2116059187, ClinGen allele CA367310085.